The following is an entry in ClinVar:

ClinVar aggregate classification (germline): Likely benign (1 of 4 stars; one submission).

Submission:

CeGaT Center for Human Genetics Tuebingen
Classification: Likely benign. Last evaluated: 2026-09-01. Review status: criteria provided, single submitter. Criteria: CeGaT Center For Human Genetics Tuebingen Variant Classification Criteria Version 2. Collection method: clinical testing. Allele origin: germline. Affected: yes. Observed: 1 variant allele.
Comment: AHNAK: BP4, BP7

NM_001620.3(AHNAK):c.636G>A (p.Ser212=)

Gene: AHNAK (AHNAK nucleoprotein; minus strand). Cytogenetic location: 11q12.3.
Variant type: single nucleotide variant.
Coding change: c.636G>A on transcript NM_001620.3 (MANE Select); coding-DNA position 636, G replaced by A.
Protein change: p.Ser212=; no amino-acid change (serine 212 retained).
Molecular consequence: synonymous variant. On other transcripts: intron variant (1).
Genome position (GRCh38, 1-based): chr11:62,533,781, C>T on the plus strand (G>A on the coding strand, the complement: AHNAK is on the minus strand). VCF-style: chr11-62533781-C-T. GRCh37 (hg19) VCF-style: chr11-62301253-C-T.
Other names: c.636G>A, p.Ser212= (NM_001346445.2, NM_001346446.2); c.342+1222G>A (NM_024060.4).
Identifiers: ClinVar variation 5041119 (VCV005041119.1).
Genomic context (GRCh38, chr11:62,533,781, plus strand): 5'-TGAAGCAGAAATGGCCCCTGCTCGGATATCCACAGCAGAGCCTGTCGGAGAGGCTGCCCC[C>T]GAGCCCGAGGGCAGTCTGATCACGGTCTTCCCAGACTGGGTCTCCACATCCACATTGGAG-3'
Protein context (NP_001611.1, residues 202-222): GKTVIRLPSG[Ser212=]GAASPTGSAV